The following is an entry in ClinVar:

ClinVar aggregate classification (germline): Conflicting classifications of pathogenicity. Review status: criteria provided, conflicting classifications (1 of 4 stars). 2 submissions from 2 submitters: Uncertain significance (1); Likely benign (1). Last evaluated 2025-09-28.

Conditions:
Hereditary cancer-predisposing syndrome. Also called: Tumor predisposition; Neoplastic Syndromes, Hereditary; Hereditary Cancer Syndrome; Hereditary neoplastic syndrome. Identifiers: Orphanet 140162, MedGen C0027672, MeSH D009386, MONDO:0015356.
Gorlin syndrome. Also called: Basal cell nevus syndrome; Nevoid Basal Cell Carcinoma Syndrome. Identifiers: Orphanet 377, MedGen C0004779, MONDO:0007187.

Allele frequency attached by ClinVar (database versions not stated): TOPMed below 0.00001; gnomAD 0.00001; gnomAD exomes 0.00002; ExAC 0.00003.
gnomAD v4.1: 13 of 1,613,832 alleles (0.00081%); highest among the groups gnomAD compares: Non-Finnish European, 0.001%; no homozygotes.

Submissions (2):

Labcorp Genetics (formerly Invitae), Labcorp
Classification: Likely benign for Gorlin syndrome. Last evaluated: 2025-09-28. Review status: criteria provided, single submitter. Criteria: Invitae Variant Classification Sherloc (09022015). Collection method: clinical testing. Allele origin: germline.

Ambry Genetics
Classification: Uncertain significance for Hereditary cancer-predisposing syndrome. Last evaluated: 2025-01-22. Review status: criteria provided, single submitter. Criteria: Ambry Variant Classification Scheme 2023. Collection method: clinical testing. Allele origin: germline.
Comment: The p.A507T variant (also known as c.1519G>A), located in coding exon 11 of the PTCH1 gene, results from a G to A substitution at nucleotide position 1519. The alanine at codon 507 is replaced by threonine, an amino acid with similar properties. This amino acid position is highly conserved in available vertebrate species. In addition, this alteration is predicted to be deleterious by in silico analysis. Based on the available evidence, the clinical significance of this variant remains unclear.

NM_000264.5(PTCH1):c.1519G>A (p.Ala507Thr)

Gene: PTCH1 (patched 1; minus strand). Cytogenetic location: 9q22.32.
Variant type: single nucleotide variant.
Coding change: c.1519G>A on transcript NM_000264.5 (MANE Select); coding-DNA position 1519, G replaced by A.
Protein change: p.Ala507Thr; replaces alanine 507 with threonine.
Molecular consequence: missense variant. On other transcripts: non-coding transcript variant (1).
Genome position (GRCh38, 1-based): chr9:95,476,842, C>T on the plus strand (G>A on the coding strand, the complement: PTCH1 is on the minus strand). VCF-style: chr9-95476842-C-T. GRCh37 (hg19) VCF-style: chr9-98239124-C-T.
Other names: c.1321G>A, p.Ala441Thr (NM_001083602.3); c.1516G>A, p.Ala506Thr (NM_001083603.3); c.1066G>A, p.Ala356Thr (NM_001083604.3, NM_001083605.3, NM_001083606.3 and 1 more transcripts); c.1363G>A, p.Ala455Thr (NM_001354918.2); short protein forms A441T, A507T, A356T, A506T, A455T.
Identifiers: ClinVar variation 486212 (VCV000486212.15), dbSNP rs745669155, ClinGen allele CA5138626.